The following is an entry in ClinVar:

NM_000038.6(APC):c.3431G>A (p.Ser1144Asn)

Gene: APC (APC regulator of Wnt signaling pathway; plus strand). Cytogenetic location: 5q22.2.
Variant type: single nucleotide variant.
Coding change: c.3431G>A on transcript NM_000038.6 (MANE Select); coding-DNA position 3431, G replaced by A.
Protein change: p.Ser1144Asn; replaces serine 1144 with asparagine.
Molecular consequence: missense variant. On other transcripts: non-coding transcript variant (2).
Genome position (GRCh38, 1-based): chr5:112,839,025, G>A. VCF-style: chr5-112839025-G-A. GRCh37 (hg19) VCF-style: chr5-112174722-G-A.
Other names: c.3128G>A, p.Ser1043Asn (NM_001407459.1, NM_001407460.1, NM_001354903.2 and 1 more transcripts); c.3044G>A, p.Ser1015Asn (NM_001407467.1, NM_001407469.1); c.2582G>A, p.Ser861Asn (NM_001407470.1, NM_001354906.2); c.2279G>A, p.Ser760Asn (NM_001407471.1, NM_001407472.1); c.3431G>A, p.Ser1144Asn (NM_001127510.3, NM_001354895.2, NM_001407450.1); c.3377G>A, p.Ser1126Asn (NM_001127511.3); c.3485G>A, p.Ser1162Asn (NM_001354896.2, NM_001407447.1, NM_001407448.1 and 1 more transcripts); c.3461G>A, p.Ser1154Asn (NM_001354897.2); and 12 more; short protein forms S1015N, S1018N, S1043N, S1053N, S1061N, S1085N, S1103N, S1116N.
Identifiers: ClinVar variation 4756879 (VCV004756879.2).

ClinVar aggregate classification (germline): Uncertain significance. Review status: criteria provided, multiple submitters, no conflicts (2 of 4 stars). 2 submissions from 2 submitters: Uncertain significance (2). Last evaluated 2026-07-25.

Conditions:
Hereditary cancer-predisposing syndrome. Also called: Hereditary Cancer Syndrome; Hereditary neoplastic syndrome; Neoplastic Syndromes, Hereditary; Tumor predisposition. Identifiers: Orphanet 140162, MedGen C0027672, MeSH D009386, MONDO:0015356.

Submissions (2):

Ambry Genetics
Classification: Uncertain significance for Hereditary cancer-predisposing syndrome. Last evaluated: 2026-07-25. Review status: criteria provided, single submitter. Criteria: Ambry Variant Classification Scheme 2023. Collection method: clinical testing. Allele origin: germline.
Comment: The p.S1144N variant (also known as c.3431G>A), located in coding exon 15 of the APC gene, results from a G to A substitution at nucleotide position 3431. The serine at codon 1144 is replaced by asparagine, an amino acid with highly similar properties. This amino acid position is conserved. In addition, in silico predictors for this gene do not accurately predict pathogenicity. Based on the available evidence, the clinical significance of this variant remains unclear.

Color Diagnostics, LLC DBA Color Health
Classification: Uncertain significance for Hereditary cancer-predisposing syndrome. Last evaluated: 2025-06-12. Review status: criteria provided, single submitter. Criteria: ACMG Guidelines, 2015. Collection method: clinical testing. Allele origin: germline.
Comment: This missense variant replaces serine with asparagine at codon 1144 of the APC protein. Computational prediction is inconclusive regarding the impact of this variant on protein structure and function. To our knowledge, functional studies have not been reported for this variant. This variant has not been reported in individuals affected with APC-related disorders in the literature. This variant has not been identified in the general population by the Genome Aggregation Database (gnomAD). The available evidence is insufficient to determine the role of this variant in disease conclusively. Therefore, this variant is classified as a Variant of Uncertain Significance.